The following is an entry in ClinVar:

NM_000834.5(GRIN2B):c.1858G>A (p.Val620Met)

Gene: GRIN2B (glutamate ionotropic receptor NMDA type subunit 2B; minus strand). Cytogenetic location: 12p13.1.
Variant type: single nucleotide variant.
Coding change: c.1858G>A on transcript NM_000834.5 (MANE Select); coding-DNA position 1858, G replaced by A.
Protein change: p.Val620Met; replaces valine 620 with methionine.
Molecular consequence: missense variant.
Genome position (GRCh38, 1-based): chr12:13,608,755, C>T on the plus strand (G>A on the coding strand, the complement: GRIN2B is on the minus strand). VCF-style: chr12-13608755-C-T. GRCh37 (hg19) VCF-style: chr12-13761689-C-T.
Other names: p.V620M:GTG>ATG; short protein forms V620M.
Identifiers: ClinVar variation 205710 (VCV000205710.5), dbSNP rs796052571, ClinGen allele CA315048.

ClinVar aggregate classification (germline): Likely pathogenic. Review status: criteria provided, multiple submitters, no conflicts (2 of 4 stars). 3 submissions from 3 submitters: Likely pathogenic (3). Last evaluated 2025-02-28.

Conditions:
Complex neurodevelopmental disorder. Identifiers: Orphanet 528084, MedGen C5568766, MONDO:0100038.
Intellectual developmental disorder, autosomal dominant 6, with or without seizures. Also called: Intellectual disability, autosomal dominant 6; GRIN2B-related developmental delay, intellectual disability and autism spectrum disorder. Identifiers: Orphanet 589547, MedGen C3151411, MONDO:0013509, OMIM 613970.
Developmental and epileptic encephalopathy, 27 (DEE27). Also called: Epileptic encephalopathy, early infantile, 27; GRIN2B-Related Neurodevelopmental Disorder. Identifiers: Orphanet 3451, MedGen C4015316, MONDO:0014505, OMIM 616139.

Submissions (3):

HudsonAlpha Institute for Biotechnology
Classification: Likely pathogenic for Intellectual developmental disorder, autosomal dominant 6, with or without seizures; Developmental and epileptic encephalopathy, 27. Last evaluated: 2025-02-28. Review status: criteria provided, single submitter. Criteria: ACMG Guidelines, 2015. Collection method: research. Allele origin: de novo. Affected: yes. Observed: 1 variant allele. Study: HudsonAlpha-PGEN.

Institute of Human Genetics, University of Leipzig Medical Center
Classification: Likely pathogenic for Intellectual developmental disorder, autosomal dominant 6, with or without seizures. Last evaluated: 2017-04-04. Review status: criteria provided, single submitter. Criteria: ACMG Guidelines, 2015. Collection method: clinical testing. Allele origin: de novo. Affected: yes.
Comment: This variant was identified as de novo (maternity and paternity confirmed).

GeneDx
Classification: Likely pathogenic. Last evaluated: 2016-03-09. Review status: criteria provided, single submitter. Criteria: GeneDx Variant Classification (06012015). Collection method: clinical testing. Allele origin: germline. Affected: yes.
Comment: The V620M variant in the GRIN2B gene has not been reported previously as a pathogenic varaint nor as a benign polymorphism, to our knowledge. The V620M variant was not observed in approximately 6500 individuals of European and African American ancestry in the NHLBI Exome Sequencing Project, indicating it is not a common benign variant in these populations. The V620M variant is a conservative amino acid substitution, which is not likely to impact secondary protein structure as these residues share similar properties. This substitution is predicted to occur at a position within the cytoplasmic domain that is conserved across species. In silico analysis predicts this variant is probably damaging to the protein structure/function. Therefore this variant is likely pathogenic; however the possibility that is benign cannot be excluded.

Literature cited by the submitters: PubMed 28377535 (cited by Institute of Human Genetics, University of Leipzig Medical Center).